The following is an entry in ClinVar:

NM_005902.4(SMAD3):c.241A>G (p.Lys81Glu)

Gene: SMAD3 (SMAD family member 3; plus strand). Cytogenetic location: 15q22.33.
Variant type: single nucleotide variant.
Coding change: c.241A>G on transcript NM_005902.4 (MANE Select); coding-DNA position 241, A replaced by G.
Protein change: p.Lys81Glu; replaces lysine 81 with glutamic acid.
Molecular consequence: missense variant. On other transcripts: 5 prime UTR variant (3).
Genome position (GRCh38, 1-based): chr15:67,164,929, A>G. VCF-style: chr15-67164929-A-G. GRCh37 (hg19) VCF-style: chr15-67457267-A-G.
Other names: c.-75A>G (NM_001145102.2, NM_001407015.1, NM_001407016.1); c.109A>G, p.Lys37Glu (NM_001145103.2); c.241A>G, p.Lys81Glu (NM_001407011.1, NM_001407012.1, NM_001407013.1); c.94A>G, p.Lys32Glu (NM_001407014.1); short protein forms K32E, K37E, K81E.
Identifiers: ClinVar variation 5001625 (VCV005001625.1).

ClinVar aggregate classification (germline): Uncertain significance (1 of 4 stars; one submission).

Conditions:
SMAD3-related disorder. Also called: SMAD3-related condition.

Submission:

PreventionGenetics, part of Exact Sciences
Classification: Uncertain significance for SMAD3-related condition. Last evaluated: 2025-05-01. Review status: criteria provided, single submitter. Criteria: ACMG Guidelines, 2015. Collection method: clinical testing. Allele origin: germline.
Comment: The SMAD3 c.241A>G variant is predicted to result in the amino acid substitution p.Lys81Glu. To our knowledge, this variant has not been reported in the literature or in a large population database (gnomAD), indicating this variant is rare. At this time, the clinical significance of this variant is uncertain due to the absence of conclusive functional and genetic evidence.